The following is an entry in ClinVar:

ClinVar aggregate classification (germline): Uncertain significance (1 of 4 stars; one submission).

Submission:

GeneDx
Classification: Uncertain significance. Last evaluated: 2025-05-28. Review status: criteria provided, single submitter. Criteria: GeneDx Variant Classification Process June 2021. Collection method: clinical testing. Allele origin: germline. Affected: yes.
Comment: Not observed at significant frequency in large population cohorts (gnomAD); In silico analysis supports that this missense variant has a deleterious effect on protein structure/function; Has not been previously published as pathogenic or benign to our knowledge

NM_001042750.2(STAG2):c.2492A>G (p.Asp831Gly)

Gene: STAG2 (STAG2 cohesin complex component; plus strand). Cytogenetic location: Xq25.
Variant type: single nucleotide variant.
Coding change: c.2492A>G on transcript NM_001042750.2 (MANE Select); coding-DNA position 2492, A replaced by G.
Protein change: p.Asp831Gly; replaces aspartic acid 831 with glycine.
Molecular consequence: missense variant.
Genome position (GRCh38, 1-based): chrX:124,071,282, A>G. VCF-style: chrX-124071282-A-G. GRCh37 (hg19) VCF-style: chrX-123205132-A-G.
Other names: c.2492A>G, p.Asp831Gly (NM_006603.5, NM_001441077.1, NM_001441078.1 and 23 more transcripts); short protein forms D831G.
Identifiers: ClinVar variation 4532527 (VCV004532527.1).
Genomic context (GRCh38, chrX:124,071,282, plus strand): 5'-AGCCATTAGTGTATACCCCTGATTCTTCATTGCAGTCTGAGTTGCTCAGCTTTATTTTGG[A>G]TCATGTCTTCATTGAACAGGATGATGATAATAATAGTGCAGGTAATTTTATTGCCATCTT-3'
Protein context (NP_001036215.1, residues 821-841): LQSELLSFIL[Asp831Gly]HVFIEQDDDN